The following is an entry in ClinVar:

ClinVar aggregate classification (germline): Benign (1 of 4 stars; one submission).

Allele frequency attached by ClinVar (database versions not stated): 1000 Genomes Project 30x 0.06980; 1000 Genomes Project 0.07049; TOPMed 0.08123; gnomAD 0.08204 and 0.08458.
gnomAD v4.1: 12,471 of 152,214 alleles (8.2%); highest among the groups gnomAD compares: Middle Eastern, 11%; 540 homozygotes.

Submission:

GeneDx
Classification: Benign. Last evaluated: 2018-06-14. Review status: criteria provided, single submitter. Criteria: GeneDx Variant Classification (06012015). Collection method: clinical testing. Allele origin: germline. Affected: yes.
Comment: This variant is considered likely benign or benign based on one or more of the following criteria: it is a conservative change, it occurs at a poorly conserved position in the protein, it is predicted to be benign by multiple in silico algorithms, and/or has population frequency not consistent with disease.

NM_133642.5(LARGE1):c.1877+183C>T

Gene: LARGE1 (LARGE xylosyl- and glucuronyltransferase 1; minus strand). Cytogenetic location: 22q12.3.
Variant type: single nucleotide variant.
Coding change: c.1877+183C>T on transcript NM_133642.5 (MANE Select); 183 bases into the intron after coding-DNA position 1877, C replaced by T.
Molecular consequence: intron variant.
Genome position (GRCh38, 1-based): chr22:33,283,019, G>A on the plus strand (C>T on the coding strand, the complement: LARGE1 is on the minus strand). VCF-style: chr22-33283019-G-A. GRCh37 (hg19) VCF-style: chr22-33679005-G-A.
Other names: c.1877+183C>T (NM_001362953.2, NM_001362949.2, NM_001362951.2 and 4 more transcripts); c.1731-5764C>T (NM_001378627.1, NM_001378628.1); c.1721+183C>T (NM_001378629.1); c.972-5764C>T (NM_001378631.1); c.1274+183C>T (NM_001378630.1).
Identifiers: ClinVar variation 683020 (VCV000683020.1), dbSNP rs17795326, ClinGen allele CA14938745.
Genomic context (GRCh38, chr22:33,283,019, plus strand): 5'-CCTACCCTTCCATCTGAACACATAACGTCTGTCATCCATGCACAAAAAAGTACATGGCAC[G>A]TACCGGCATGGGGAGAGGAGGGAGATTACAAGGACGTTGTCTGGAGAAAGCGGTGCTTTC-3'